The following is an entry in ClinVar:

ClinVar aggregate classification (germline): Uncertain significance (1 of 4 stars; one submission).

Conditions:
Hereditary nonpolyposis colorectal neoplasms. Identifiers: MedGen C0009405, MeSH D003123.

Submission:

Labcorp Genetics (formerly Invitae), Labcorp
Classification: Uncertain significance for Hereditary nonpolyposis colorectal neoplasms. Last evaluated: 2021-10-18. Review status: criteria provided, single submitter. Criteria: Invitae Variant Classification Sherloc (09022015). Collection method: clinical testing. Allele origin: germline.
Comment: In summary, the available evidence is currently insufficient to determine the role of this variant in disease. Therefore, it has been classified as a Variant of Uncertain Significance. Algorithms developed to predict the effect of missense changes on protein structure and function (SIFT, PolyPhen-2, Align-GVGD) all suggest that this variant is likely to be tolerated. This variant has not been reported in the literature in individuals affected with PMS2-related conditions. This variant is not present in population databases (ExAC no frequency). This sequence change replaces glutamic acid with aspartic acid at codon 254 of the PMS2 protein (p.Glu254Asp). The glutamic acid residue is moderately conserved and there is a small physicochemical difference between glutamic acid and aspartic acid.

NM_000535.7(PMS2):c.762G>T (p.Glu254Asp)

Gene: PMS2 (PMS1 homolog 2, mismatch repair system component; minus strand). Cytogenetic location: 7p22.1.
Variant type: single nucleotide variant.
Coding change: c.762G>T on transcript NM_000535.7 (MANE Select); coding-DNA position 762, G replaced by T.
Protein change: p.Glu254Asp; replaces glutamic acid 254 with aspartic acid.
Molecular consequence: missense variant. On other transcripts: 5 prime UTR variant (2), non-coding transcript variant (1).
Genome position (GRCh38, 1-based): chr7:5,997,367, C>A on the plus strand (G>T on the coding strand, the complement: PMS2 is on the minus strand). VCF-style: chr7-5997367-C-A. GRCh37 (hg19) VCF-style: chr7-6036998-C-A.
Other names: c.357G>T, p.Glu119Asp (NM_001322003.2, NM_001322004.2, NM_001322005.2 and 2 more transcripts); c.762G>T, p.Glu254Asp (NM_001322006.2, NM_001322014.2); c.444G>T, p.Glu148Asp (NM_001322007.2, NM_001322008.2); c.-172G>T (NM_001322011.2, NM_001322012.2); c.189G>T, p.Glu63Asp (NM_001322013.2); c.453G>T, p.Glu151Asp (NM_001322015.2); short protein forms E63D, E148D, E119D, E254D, E151D.
Identifiers: ClinVar variation 1045623 (VCV001045623.6), dbSNP rs1784530093, ClinGen allele CA366743686.